The following is an entry in ClinVar:

ClinVar aggregate classification (germline): Uncertain significance (1 of 4 stars; one submission).

Submission:

Labcorp Genetics (formerly Invitae), Labcorp
Classification: Uncertain significance. Last evaluated: 2025-12-02. Review status: criteria provided, single submitter. Criteria: Invitae Variant Classification Sherloc (09022015). Collection method: clinical testing. Allele origin: germline.
Comment: This sequence change replaces alanine, which is neutral and non-polar, with valine, which is neutral and non-polar, at codon 1673 of the MYH3 protein (p.Ala1673Val). This variant is present in population databases (rs781405511, gnomAD 0.02%). This variant has not been reported in the literature in individuals affected with MYH3-related conditions. ClinVar contains an entry for this variant (Variation ID: 3617403). Invitae Evidence Modeling of protein sequence and biophysical properties (such as structural, functional, and spatial information, amino acid conservation, physicochemical variation, residue mobility, and thermodynamic stability) indicates that this missense variant is not expected to disrupt MYH3 protein function with a negative predictive value of 95%. In summary, the available evidence is currently insufficient to determine the role of this variant in disease. Therefore, it has been classified as a Variant of Uncertain Significance.

NM_002470.4(MYH3):c.5018C>T (p.Ala1673Val)

Gene: MYH3 (myosin heavy chain 3; minus strand). Cytogenetic location: 17p13.1.
Variant type: single nucleotide variant.
Coding change: c.5018C>T on transcript NM_002470.4 (MANE Select); coding-DNA position 5018, C replaced by T.
Protein change: p.Ala1673Val; replaces alanine 1673 with valine.
Molecular consequence: missense variant.
Genome position (GRCh38, 1-based): chr17:10,631,955, G>A on the plus strand (C>T on the coding strand, the complement: MYH3 is on the minus strand). VCF-style: chr17-10631955-G-A. GRCh37 (hg19) VCF-style: chr17-10535272-G-A.
Other names: short protein forms A1673V.
Identifiers: ClinVar variation 3617403 (VCV003617403.2).
Genomic context (GRCh38, chr17:10,631,955, plus strand): 5'-AGAGTAGCCCGCAGCTCCTCCACCTCGGCCTGCAGCAGGTTGGCTCTGCGCTCCACAATC[G>A]CCAGCTGCTCCTTCAGGTCCTCCTGGCCCCGGAGGGCATCATCCAGGTGGAGCTGCGTAT-3'
Protein context (NP_002461.2, residues 1663-1683): RGQEDLKEQL[Ala1673Val]IVERRANLLQ